The following is an entry in ClinVar:

ClinVar aggregate classification (germline): Uncertain significance (1 of 4 stars; one submission).

Conditions:
Hereditary cancer-predisposing syndrome. Also called: Neoplastic Syndromes, Hereditary; Tumor predisposition; Hereditary Cancer Syndrome; Hereditary neoplastic syndrome. Identifiers: Orphanet 140162, MedGen C0027672, MeSH D009386, MONDO:0015356.

Submission:

Ambry Genetics
Classification: Uncertain significance for Hereditary cancer-predisposing syndrome. Last evaluated: 2025-04-14. Review status: criteria provided, single submitter. Criteria: Ambry Variant Classification Scheme 2023. Collection method: clinical testing. Allele origin: germline.
Comment: The p.Q2399H variant (also known as c.7197A>T), located in coding exon 48 of the ATM gene, results from an A to T substitution at nucleotide position 7197. The glutamine at codon 2399 is replaced by histidine, an amino acid with highly similar properties. This amino acid position is conserved. In addition, the in silico prediction for this alteration is inconclusive. Based on the available evidence, the clinical significance of this variant remains unclear.

NM_000051.4(ATM):c.7197A>T (p.Gln2399His)

Genes: ATM (ATM serine/threonine kinase; plus strand), C11orf65 (chromosome 11 open reading frame 65; minus strand). Cytogenetic location: 11q22.3.
Variant type: single nucleotide variant.
Coding change: c.7197A>T on transcript NM_000051.4 (MANE Select); coding-DNA position 7197, A replaced by T.
Protein change: p.Gln2399His; replaces glutamine 2399 with histidine.
Molecular consequence: missense variant. On other transcripts: intron variant (2).
Genome position (GRCh38, 1-based): chr11:108,329,128, A>T. VCF-style: chr11-108329128-A-T. GRCh37 (hg19) VCF-style: chr11-108199855-A-T.
Other names: c.7197A>T, p.Gln2399His (NM_001351834.2); c.641-20057T>A (NM_001330368.2); c.*38+6092T>A (NM_001351110.2); short protein forms Q2399H.
Identifiers: ClinVar variation 3966563 (VCV003966563.1).